The following is an entry in ClinVar:

ClinVar aggregate classification (germline): Uncertain significance. Review status: criteria provided, multiple submitters, no conflicts (2 of 4 stars). 2 submissions from 2 submitters: Uncertain significance (2). Last evaluated 2025-06-30.

Conditions:
Familial thoracic aortic aneurysm and aortic dissection (TAAD). Also called: Thoracic aortic aneurysms and dissections. Identifiers: Orphanet 91387, MedGen C4707243, MONDO:0019625.
Ehlers-Danlos syndrome, type 4 (EDSVASC). Also called: Ehlers-Danlos syndrome vascular type; Ehlers Danlos syndrome, ecchymotic type; Ehlers Danlos syndrome, arterial type; Ehlers Danlos syndrome, Sack-Barabas type; Ehlers-Danlos Syndrome Type IV. Identifiers: Orphanet 286, MedGen C0268338, MONDO:0017314, OMIM 130050.

Allele frequency attached by ClinVar (database versions not stated): gnomAD exomes below 0.00001.
gnomAD v4.1: 1 of 1,592,960 alleles (0.000063%); highest among the groups gnomAD compares: Non-Finnish European, 0.000085%; no homozygotes.

Submissions (2):

Color Diagnostics, LLC DBA Color Health
Classification: Uncertain significance for Familial thoracic aortic aneurysm and aortic dissection. Last evaluated: 2025-06-30. Review status: criteria provided, single submitter. Criteria: ACMG Guidelines, 2015. Collection method: clinical testing. Allele origin: germline.
Comment: This missense variant replaces lysine with glutamic acid at codon 757 of the COL3A1 protein. Computational prediction suggests that this variant may not impact protein structure and function. To our knowledge, functional studies have not been reported for this variant. This variant has not been reported in individuals affected with COL3A1-related disorders in the literature. This variant has not been identified in the general population by the Genome Aggregation Database (gnomAD). The available evidence is insufficient to determine the role of this variant in disease conclusively. Therefore, this variant is classified as a Variant of Uncertain Significance.

MGZ Medical Genetics Center
Classification: Uncertain significance for Ehlers-Danlos syndrome, type 4. Last evaluated: 2022-04-05. Review status: criteria provided, single submitter. Criteria: ACMG Guidelines, 2015. Collection method: clinical testing. Allele origin: germline. Affected: yes. Observed: 1 variant allele.
Comment: ACMG criteria applied: PM1, PM2_SUP, PP2, PP3

NM_000090.4(COL3A1):c.2269A>G (p.Lys757Glu)

Gene: COL3A1 (collagen type III alpha 1 chain; plus strand). Cytogenetic location: 2q32.2.
Variant type: single nucleotide variant.
Coding change: c.2269A>G on transcript NM_000090.4 (MANE Select); coding-DNA position 2269, A replaced by G.
Protein change: p.Lys757Glu; replaces lysine 757 with glutamic acid.
Molecular consequence: missense variant.
Genome position (GRCh38, 1-based): chr2:188,999,881, A>G. VCF-style: chr2-188999881-A-G. GRCh37 (hg19) VCF-style: chr2-189864607-A-G.
Other names: short protein forms K757E.
Identifiers: ClinVar variation 1709383 (VCV001709383.3), dbSNP rs2469145059, ClinGen allele CA349841183.
Genomic context (GRCh38, chr2:188,999,881, plus strand): 5'-ACATTGGCTTTTATTTGACAGGGTGAACCAGGCGGTCCAGGTGCTGATGGTGTCCCAGGG[A>G]AAGATGGCCCAAGGGTGAGTATTCCCAGTGAGGAGAAGCAGGCCTTATCTATATGTCATA-3'
Protein context (NP_000081.2, residues 747-767): GGPGADGVPG[Lys757Glu]DGPRGPTGPI